The following is an entry in ClinVar:

ClinVar aggregate classification (germline): Uncertain significance (1 of 4 stars; one submission).

Conditions:
Hereditary sensory and autonomic neuropathy type 6. Also called: HSAN VI; Neuropathy, hereditary sensory and autonomic, type VI. Identifiers: Orphanet 314381, MedGen C3539003, MONDO:0013839, OMIM 614653.
Epidermolysis bullosa simplex 3, localized or generalized intermediate, with BP230 deficiency (EBS3). Also called: Epidermolysis bullosa simplex due to BP230 deficiency; Epidermolysis bullosa simplex, autosomal recessive 2. Identifiers: Orphanet 412181, MedGen C3809470, MONDO:0014180, OMIM 615425.

Allele frequency attached by ClinVar (database versions not stated): gnomAD exomes below 0.00001.
gnomAD v4.1: 1 of 1,603,542 alleles (0.000062%); highest among the groups gnomAD compares: Non-Finnish European, 0.000085%; no homozygotes.

Submission:

Labcorp Genetics (formerly Invitae), Labcorp
Classification: Uncertain significance for Epidermolysis bullosa simplex 3, localized or generalized intermediate, with BP230 deficiency; Hereditary sensory and autonomic neuropathy type 6. Last evaluated: 2022-05-27. Review status: criteria provided, single submitter. Criteria: Invitae Variant Classification Sherloc (09022015). Collection method: clinical testing. Allele origin: germline.
Comment: The DST gene has multiple clinically relevant transcripts. This variant occurs in alternate transcript NM_015548.4, and corresponds to NM_001723.5:c.*36613G>A in the primary transcript. This sequence change replaces alanine, which is neutral and non-polar, with threonine, which is neutral and polar, at codon 1690 of the DST protein (p.Ala1690Thr). This variant is not present in population databases (gnomAD no frequency). This variant has not been reported in the literature in individuals affected with DST-related conditions. Experimental studies and prediction algorithms are not available or were not evaluated, and the functional significance of this variant is currently unknown. In summary, the available evidence is currently insufficient to determine the role of this variant in disease. Therefore, it has been classified as a Variant of Uncertain Significance.

NM_001374736.1(DST):c.12937G>A (p.Ala4313Thr)

Gene: DST (dystonin; minus strand). Cytogenetic location: 6p12.1.
Variant type: single nucleotide variant.
Coding change: c.12937G>A on transcript NM_001374736.1 (MANE Select); coding-DNA position 12937, G replaced by A.
Protein change: p.Ala4313Thr; replaces alanine 4313 with threonine.
Molecular consequence: missense variant.
Genome position (GRCh38, 1-based): chr6:56,578,904, C>T on the plus strand (G>A on the coding strand, the complement: DST is on the minus strand). VCF-style: chr6-56578904-C-T. GRCh37 (hg19) VCF-style: chr6-56443702-C-T.
Other names: c.6580G>A, p.Ala2194Thr (NM_001144769.5); c.6166G>A, p.Ala2056Thr (NM_001144770.2); c.12937G>A, p.Ala4313Thr (NM_001374722.1); c.12304G>A, p.Ala4102Thr (NM_001374729.1); c.6046G>A, p.Ala2016Thr (NM_001374730.1, NM_001386100.1, NM_183380.4); c.12964G>A, p.Ala4322Thr (NM_001374734.1); c.5068G>A, p.Ala1690Thr (NM_015548.5); short protein forms A1690T, A2016T, A2056T, A2194T, A4102T, A4322T, A4313T.
Identifiers: ClinVar variation 2175882 (VCV002175882.4), dbSNP rs1434161551, ClinGen allele CA364521250.